The following is an entry in ClinVar:

ClinVar aggregate classification (germline): Uncertain significance. Review status: criteria provided, multiple submitters, no conflicts (2 of 4 stars). 5 submissions from 5 submitters: Uncertain significance (4). 1 of the submissions does not count toward it. Last evaluated 2024-10-25.

Conditions:
Nephronophthisis. Also called: Juvenile Nephronophthisis. Identifiers: Orphanet 655, MedGen C0687120, MONDO:0019005, HP:0000090.
NPHP3-related disorder. Also called: NPHP3-related disorders; NPHP3-related condition. Identifiers: MedGen CN379163.

Allele frequency attached by ClinVar (database versions not stated): gnomAD exomes 0.00001 and 0.00003; ExAC 0.00003; ESP Exome Variant Server 0.00015; gnomAD 0.00015; TOPMed 0.00022.

Submissions (5):

Labcorp Genetics (formerly Invitae), Labcorp
Classification: Uncertain significance for Nephronophthisis. Last evaluated: 2024-10-25. Review status: criteria provided, single submitter. Criteria: Invitae Variant Classification Sherloc (09022015). Collection method: clinical testing. Allele origin: germline.
Comment: This sequence change falls in intron 3 of the NPHP3 gene. It does not directly change the encoded amino acid sequence of the NPHP3 protein. It affects a nucleotide within the consensus splice site. This variant is present in population databases (rs190074663, gnomAD 0.03%). This variant has not been reported in the literature in individuals affected with NPHP3-related conditions. ClinVar contains an entry for this variant (Variation ID: 462732). Variants that disrupt the consensus splice site are a relatively common cause of aberrant splicing (PMID: 17576681, 9536098). Algorithms developed to predict the effect of sequence changes on RNA splicing suggest that this variant is not likely to affect RNA splicing. In summary, the available evidence is currently insufficient to determine the role of this variant in disease. Therefore, it has been classified as a Variant of Uncertain Significance.

Blueprint Genetics
Classification: Uncertain significance. Last evaluated: 2024-09-11. Review status: criteria provided, single submitter. Criteria: ACMG Guidelines, 2015. Collection method: clinical testing. Allele origin: germline.

Women's Health and Genetics/Laboratory Corporation of America, LabCorp
Classification: Uncertain significance. Last evaluated: 2024-08-31. Review status: criteria provided, single submitter. Criteria: LabCorp Variant Classification Summary - May 2015. Collection method: clinical testing. Allele origin: germline.

Eurofins Ntd Llc (ga)
Classification: Uncertain significance. Last evaluated: 2018-08-16. Review status: criteria provided, single submitter. Criteria: EGL ClinVar v180209 classification definitions. Collection method: clinical testing. Allele origin: germline. Observed: 3 variant alleles, 3 heterozygotes.

PreventionGenetics, part of Exact Sciences
Classification: Likely benign for NPHP3-related condition. Last evaluated: 2024-07-10. Review status: no assertion criteria provided. Collection method: clinical testing. Allele origin: germline. Not counted in ClinVar's aggregate classification.
Comment: This variant is classified as likely benign based on ACMG/AMP sequence variant interpretation guidelines (Richards et al. 2015 PMID: 25741868, with internal and published modifications).

Literature cited by the submitters: PubMed 17576681 (cited by Labcorp Genetics (formerly Invitae), Labcorp); PubMed 9536098 (cited by Labcorp Genetics (formerly Invitae), Labcorp).

NM_153240.5(NPHP3):c.670+6T>C

Genes: NPHP3 (nephrocystin 3; minus strand), NPHP3-ACAD11 (NPHP3-ACAD11 readthrough (NMD candidate); minus strand). Cytogenetic location: 3q22.1.
Variant type: single nucleotide variant.
Coding change: c.670+6T>C on transcript NM_153240.5 (MANE Select); 6 bases into the intron after coding-DNA position 670, T replaced by C.
Molecular consequence: intron variant.
Genome position (GRCh38, 1-based): chr3:132,718,988, A>G on the plus strand (T>C on the coding strand, the complement: NPHP3 is on the minus strand). VCF-style: chr3-132718988-A-G. GRCh37 (hg19) VCF-style: chr3-132437832-A-G.
Identifiers: ClinVar variation 462732 (VCV000462732.15), dbSNP rs190074663, ClinGen allele CA2622545.